The following is an entry in ClinVar:

ClinVar aggregate classification (germline): Uncertain significance. Review status: criteria provided, multiple submitters, no conflicts (2 of 4 stars). 2 submissions from 2 submitters: Uncertain significance (2). Last evaluated 2025-03-27.

Allele frequency attached by ClinVar (database versions not stated): TOPMed 0.00002; ExAC 0.00002; gnomAD 0.00002; ESP Exome Variant Server 0.00008; gnomAD exomes 0.00002.
gnomAD v4.1: 13 of 1,612,884 alleles (0.00081%); highest among the groups gnomAD compares: South Asian, 0.0011%; no homozygotes.

Submissions (2):

Ambry Genetics
Classification: Uncertain significance. Last evaluated: 2025-03-27. Review status: criteria provided, single submitter. Criteria: Ambry Variant Classification Scheme 2023. Collection method: clinical testing. Allele origin: germline.

GeneDx
Classification: Uncertain significance. Last evaluated: 2021-04-20. Review status: criteria provided, single submitter. Criteria: GeneDx Variant Classification Process June 2021. Collection method: clinical testing. Allele origin: germline. Affected: yes.
Comment: Has not been previously published as pathogenic or benign to our knowledge; In silico analysis supports that this missense variant does not alter protein structure/function

NM_001715.3(BLK):c.121C>G (p.Leu41Val)

Gene: BLK (BLK proto-oncogene, Src family tyrosine kinase). Cytogenetic location: 8p23.1.
Variant type: single nucleotide variant.
Coding change: c.121C>G on transcript NM_001715.3 (MANE Select); coding-DNA position 121, C replaced by G.
Protein change: p.Leu41Val; replaces leucine 41 with valine.
Molecular consequence: missense variant. On other transcripts: intron variant (1).
Genome position (GRCh38, 1-based): chr8:11,543,345, C>G. VCF-style: chr8-11543345-C-G. GRCh37 (hg19) VCF-style: chr8-11400854-C-G.
Other names: c.-90-2707C>G (NM_001330465.2); short protein forms L41V.
Identifiers: ClinVar variation 1314580 (VCV001314580.3), dbSNP rs371967598, ClinGen allele CA4629672.